The following is an entry in ClinVar:

ClinVar aggregate classification (germline): Uncertain significance (1 of 4 stars; one submission).

Allele frequency attached by ClinVar (database versions not stated): TOPMed below 0.00001.
gnomAD v4.1: 2 of 1,604,328 alleles (0.00012%); highest among the groups gnomAD compares: Non-Finnish European, 0.00017%; no homozygotes.

Submission:

Labcorp Genetics (formerly Invitae), Labcorp
Classification: Uncertain significance. Last evaluated: 2022-03-01. Review status: criteria provided, single submitter. Criteria: Invitae Variant Classification Sherloc (09022015). Collection method: clinical testing. Allele origin: germline.
Comment: In summary, the available evidence is currently insufficient to determine the role of this variant in disease. Therefore, it has been classified as a Variant of Uncertain Significance. Algorithms developed to predict the effect of sequence changes on RNA splicing suggest that this variant may create or strengthen a splice site. This variant has not been reported in the literature in individuals affected with TENM3-related conditions. This variant is not present in population databases (gnomAD no frequency). This sequence change falls in intron 5 of the TENM3 gene. It does not directly change the encoded amino acid sequence of the TENM3 protein.

NM_001080477.4(TENM3):c.989-6C>G

Gene: TENM3 (teneurin transmembrane protein 3; plus strand). Cytogenetic location: 4q35.1.
Variant type: single nucleotide variant.
Coding change: c.989-6C>G on transcript NM_001080477.4 (MANE Select); 6 bases into the intron before coding-DNA position 989, C replaced by G.
Molecular consequence: intron variant.
Genome position (GRCh38, 1-based): chr4:182,653,765, C>G. VCF-style: chr4-182653765-C-G. GRCh37 (hg19) VCF-style: chr4-183574918-C-G.
Identifiers: ClinVar variation 2104923 (VCV002104923.4), dbSNP rs1297325266, ClinGen allele CA1518236591.